The following is an entry in ClinVar:

NM_000059.4(BRCA2):c.1351_1352del (p.Ser451fs)

Gene: BRCA2 (BRCA2 DNA repair associated; plus strand). Cytogenetic location: 13q13.1.
Variant type: Deletion.
Coding change: c.1351_1352del on transcript NM_000059.4 (MANE Select); coding-DNA positions 1351 to 1352, 2 bases deleted (AG; older notation c.1351_1352delAG).
Protein change: p.Ser451fs; shifts the reading frame from serine 451.
Molecular consequence: frameshift variant.
Genome position (GRCh38, 1-based): chr13:32,332,829-32,332,830, AG deleted. VCF-style (leftmost placement, unchanged base first): chr13-32332828-TAG-T. GRCh37 (hg19) VCF-style: chr13-32906965-TAG-T.
Other names: short protein forms S451fs.
Identifiers: ClinVar variation 1075495 (VCV001075495.7), dbSNP rs2137470549, ClinGen allele CA2499222079.

ClinVar aggregate classification (germline): Pathogenic (1 of 4 stars; one submission).

Conditions:
Hereditary breast ovarian cancer syndrome. Also called: Hereditary breast and ovarian cancer; Breast and ovarian cancer; BRCA1- and BRCA2-Associated Hereditary Breast and Ovarian Cancer; Hereditary breast and/or ovarian cancer syndrome; Hereditary breast and ovarian cancer syndrome; Hereditary breast and ovarian cancer syndrome (HBOC). Identifiers: Orphanet 145, MedGen C0677776, MeSH D061325, MONDO:0003582. Disease mechanism: loss of function.

Submission:

Labcorp Genetics (formerly Invitae), Labcorp
Classification: Pathogenic for Hereditary breast ovarian cancer syndrome. Last evaluated: 2020-08-05. Review status: criteria provided, single submitter. Criteria: Invitae Variant Classification Sherloc (09022015). Collection method: clinical testing. Allele origin: germline.
Comment: For these reasons, this variant has been classified as Pathogenic. Loss-of-function variants in BRCA2 are known to be pathogenic (PMID: 20104584). This variant has not been reported in the literature in individuals with BRCA2-related conditions. This variant is not present in population databases (ExAC no frequency). This sequence change creates a premature translational stop signal (p.Ser451Profs*10) in the BRCA2 gene. It is expected to result in an absent or disrupted protein product.

Literature cited by the submitters: PubMed 20104584.